The following is an entry in ClinVar:

ClinVar aggregate classification (germline): Uncertain significance (1 of 4 stars; one submission).

gnomAD v4.1: 6 of 1,588,786 alleles (0.00038%); highest among the groups gnomAD compares: African/African-American, 0.0068%; no homozygotes.

Submission:

GeneDx
Classification: Uncertain significance. Last evaluated: 2025-08-09. Review status: criteria provided, single submitter. Criteria: GeneDx Variant Classification Process June 2021. Collection method: clinical testing. Allele origin: germline. Affected: yes.
Comment: Not observed at significant frequency in large population cohorts (gnomAD); In silico analysis suggests that this missense variant does not alter protein structure/function; Has not been previously published as pathogenic or benign to our knowledge

NM_024989.4(PGAP1):c.1936A>C (p.Ile646Leu)

Gene: PGAP1 (post-GPI attachment to proteins inositol deacylase 1; minus strand). Cytogenetic location: 2q33.1.
Variant type: single nucleotide variant.
Coding change: c.1936A>C on transcript NM_024989.4 (MANE Select); coding-DNA position 1936, A replaced by C.
Protein change: p.Ile646Leu; replaces isoleucine 646 with leucine.
Molecular consequence: missense variant.
Genome position (GRCh38, 1-based): chr2:196,847,963, T>G on the plus strand (A>C on the coding strand, the complement: PGAP1 is on the minus strand). VCF-style: chr2-196847963-T-G. GRCh37 (hg19) VCF-style: chr2-197712687-T-G.
Other names: c.1414A>C, p.Ile472Leu (NM_001321099.2); c.769A>C, p.Ile257Leu (NM_001321100.2); short protein forms I257L, I472L, I646L.
Identifiers: ClinVar variation 4795524 (VCV004795524.1).